The following is an entry in ClinVar:

NM_000051.4(ATM):c.1065+1G>C

Gene: ATM (ATM serine/threonine kinase; plus strand). Cytogenetic location: 11q22.3.
Variant type: single nucleotide variant.
Coding change: c.1065+1G>C on transcript NM_000051.4 (MANE Select); the canonical splice donor site of the intron after coding-DNA position 1065, G replaced by C.
Molecular consequence: splice donor variant.
Genome position (GRCh38, 1-based): chr11:108,247,128, G>C. VCF-style: chr11-108247128-G-C. GRCh37 (hg19) VCF-style: chr11-108117855-G-C.
Other names: c.1065+1G>C (NM_001351834.2).
Identifiers: ClinVar variation 551531 (VCV000551531.5), dbSNP rs201089102, ClinGen allele CA382531867.
Genomic context (GRCh38, chr11:108,247,128, plus strand): 5'-TTTCGTAATATTGCCGTCAAAGAAAATTTGATTGAATTGATGGCAGATATCTGTCACCAG[G>C]TACAGTAAGTAGGTCATGTCACATTTAGAAATTTCCTGTTAATTTTTTTTTTAAACTGGG-3'

ClinVar aggregate classification (germline): Likely pathogenic. Review status: criteria provided, single submitter (1 of 4 stars). 2 submissions from 2 submitters: Likely pathogenic (1). 1 of the submissions does not count toward it. Last evaluated 2026-06-26.

Conditions:
Ataxia-telangiectasia syndrome (AT). Also called: Ataxia telangiectasia (A-T); Ataxia-telangiectasia, complementation group E; LOUIS-BAR SYNDROME; Cerebello-oculocutaneous telangiectasia; Immunodeficiency with ataxia telangiectasia; Ataxia-telangiectasia, complementation group D. Identifiers: Orphanet 100, MedGen C0004135, MONDO:0008840, OMIM 208900.
Hereditary cancer-predisposing syndrome. Also called: Hereditary Cancer Syndrome; Tumor predisposition; Hereditary neoplastic syndrome; Neoplastic Syndromes, Hereditary. Identifiers: Orphanet 140162, MedGen C0027672, MeSH D009386, MONDO:0015356.

Submissions (2):

Ambry Genetics
Classification: Likely pathogenic for Hereditary cancer-predisposing syndrome. Last evaluated: 2026-06-26. Review status: criteria provided, single submitter. Criteria: Ambry Variant Classification Scheme 2023. Collection method: clinical testing. Allele origin: germline.
Comment: The c.1065+1G>C intronic variant results from a G to C substitution one nucleotide after coding exon 7 of the ATM gene. This variant is considered to be rare based on population cohorts in the Genome Aggregation Database (gnomAD). This nucleotide position is highly conserved in available vertebrate species. In silico splice site analysis predicts that this alteration will weaken the native splice donor site. RNA studies have demonstrated that this variant results in abnormal splicing in the set of samples tested (Ambry internal data). In an assay testing ATM function, this variant showed a functionally abnormal result (Lee KS et al. Cell, 2025 Sep;188:5081-5099.e27). Alterations that disrupt the canonical splice site are expected to cause aberrant splicing, resulting in an abnormal protein or a transcript that is subject to nonsense-mediated mRNA decay. As such, this alteration is classified as likely pathogenic.

Counsyl
Classification: Likely pathogenic for Ataxia-telangiectasia syndrome. Last evaluated: 2017-04-14. Review status: no assertion criteria provided. Collection method: clinical testing. Allele origin: unknown. Not counted in ClinVar's aggregate classification.

Literature cited by the submitters: PubMed 30287823 (cited by Ambry Genetics); PubMed 40580951 (cited by Ambry Genetics).